The following is an entry in ClinVar:

ClinVar aggregate classification (germline): Likely benign (0 of 4 stars; one submission).

Conditions:
ATP6V0A2-related disorder. Also called: ATP6V0A2-related condition.

Allele frequency attached by ClinVar (database versions not stated): gnomAD exomes below 0.00001.
gnomAD v4.1: 3 of 1,611,690 alleles (0.00019%); highest among the groups gnomAD compares: Middle Eastern, 0.033%; no homozygotes.

Submission:

PreventionGenetics, part of Exact Sciences
Classification: Likely benign for ATP6V0A2-related condition. Last evaluated: 2021-08-18. Review status: no assertion criteria provided. Collection method: clinical testing. Allele origin: germline.
Comment: This variant is classified as likely benign based on ACMG/AMP sequence variant interpretation guidelines (Richards et al. 2015 PMID: 25741868, with internal and published modifications).

NM_012463.4(ATP6V0A2):c.177A>G (p.Glu59=)

Gene: ATP6V0A2 (ATPase H+ transporting V0 subunit a2; plus strand). Cytogenetic location: 12q24.31.
Variant type: single nucleotide variant.
Coding change: c.177A>G on transcript NM_012463.4 (MANE Select); coding-DNA position 177, A replaced by G.
Protein change: p.Glu59=; no amino-acid change (glutamic acid 59 retained).
Molecular consequence: synonymous variant.
Genome position (GRCh38, 1-based): chr12:123,718,682, A>G. VCF-style: chr12-123718682-A-G. GRCh37 (hg19) VCF-style: chr12-124203229-A-G.
Identifiers: ClinVar variation 3057450 (VCV003057450.2), dbSNP rs1956367944, ClinGen allele CA482268289.